The following is an entry in ClinVar:

ClinVar aggregate classification (germline): Uncertain significance. Review status: criteria provided, multiple submitters, no conflicts (2 of 4 stars). 3 submissions from 3 submitters: Uncertain significance (3). Last evaluated 2025-10-15.

Conditions:
NMNAT1-related disorder. Also called: NMNAT1-related condition.
Leber congenital amaurosis 9 (LCA9). Also called: LCA9 Leber Congenital Amaurosis; LCA 9; Amaurosis congenita of Leber, type 9. Identifiers: Orphanet 65, MedGen C1837873, MONDO:0012056, OMIM 608553.
Inborn genetic diseases. Identifiers: MedGen C0950123, MeSH D030342.

Allele frequency attached by ClinVar (database versions not stated): gnomAD exomes below 0.00001; gnomAD 0.00003 and 0.00004; TOPMed 0.00004.

Submissions (3):

PreventionGenetics, part of Exact Sciences
Classification: Uncertain significance for NMNAT1-related condition. Last evaluated: 2025-10-15. Review status: criteria provided, single submitter. Criteria: ACMG Guidelines, 2015. Collection method: clinical testing. Allele origin: germline.
Comment: The NMNAT1 c.524C>T variant is predicted to result in the amino acid substitution p.Thr175Ile. To our knowledge, this variant has not been reported in the literature. This variant is reported in 0.011% of alleles in individuals of African descent in gnomAD. At this time, the clinical significance of this variant is uncertain due to the absence of conclusive functional and genetic evidence.

Ambry Genetics
Classification: Uncertain significance for Inborn genetic diseases. Last evaluated: 2024-11-19. Review status: criteria provided, single submitter. Criteria: Ambry Variant Classification Scheme 2023. Collection method: clinical testing. Allele origin: germline.

Labcorp Genetics (formerly Invitae), Labcorp
Classification: Uncertain significance for Leber congenital amaurosis 9. Last evaluated: 2022-09-19. Review status: criteria provided, single submitter. Criteria: Invitae Variant Classification Sherloc (09022015). Collection method: clinical testing. Allele origin: germline.
Comment: This sequence change replaces threonine, which is neutral and polar, with isoleucine, which is neutral and non-polar, at codon 175 of the NMNAT1 protein (p.Thr175Ile). This variant is present in population databases (rs369355895, gnomAD 0.01%). This variant has not been reported in the literature in individuals affected with NMNAT1-related conditions. ClinVar contains an entry for this variant (Variation ID: 1440099). Advanced modeling of protein sequence and biophysical properties (such as structural, functional, and spatial information, amino acid conservation, physicochemical variation, residue mobility, and thermodynamic stability) performed at Invitae indicates that this missense variant is not expected to disrupt NMNAT1 protein function. In summary, the available evidence is currently insufficient to determine the role of this variant in disease. Therefore, it has been classified as a Variant of Uncertain Significance.

NM_022787.4(NMNAT1):c.524C>T (p.Thr175Ile)

Gene: NMNAT1 (nicotinamide nucleotide adenylyltransferase 1; plus strand). Cytogenetic location: 1p36.22.
Variant type: single nucleotide variant.
Coding change: c.524C>T on transcript NM_022787.4 (MANE Select); coding-DNA position 524, C replaced by T.
Protein change: p.Thr175Ile; replaces threonine 175 with isoleucine.
Molecular consequence: missense variant.
Genome position (GRCh38, 1-based): chr1:9,982,385, C>T. VCF-style: chr1-9982385-C-T. GRCh37 (hg19) VCF-style: chr1-10042443-C-T.
Other names: c.524C>T, p.Thr175Ile (NM_001297778.1); c.524C>T (NM_022787.3); short protein forms T175I.
Identifiers: ClinVar variation 1440099 (VCV001440099.5), dbSNP rs369355895, ClinGen allele CA18240118.
Genomic context (GRCh38, chr1:9,982,385, plus strand): 5'-GTGGGGCAGATTTATTGGAGTCCTTTGCTGTTCCCAATTTGTGGAAGAGTGAAGACATCA[C>T]CCAAATCGTGGCCAACTATGGGCTCATATGTGTTACTCGGGCTGGAAATGATGCTCAGAA-3'
Protein context (NP_073624.2, residues 165-185): VPNLWKSEDI[Thr175Ile]QIVANYGLIC